The following is an entry in ClinVar:

NM_001009944.3(PKD1):c.11347G>A (p.Val3783Ile)

Genes: PKD1-AS1 (PKD1 antisense RNA 1; plus strand), PKD1 (polycystin 1, transient receptor potential channel interacting; minus strand). Cytogenetic location: 16p13.3.
Variant type: single nucleotide variant.
Coding change: c.11347G>A on transcript NM_001009944.3 (MANE Select); coding-DNA position 11347, G replaced by A.
Protein change: p.Val3783Ile; replaces valine 3783 with isoleucine.
Molecular consequence: missense variant.
Genome position (GRCh38, 1-based): chr16:2,092,111, C>T on the plus strand (G>A on the coding strand, the complement: PKD1 is on the minus strand). VCF-style: chr16-2092111-C-T. GRCh37 (hg19) VCF-style: chr16-2142112-C-T.
Other names: c.11344G>A, p.Val3782Ile (NM_000296.4); c.11347G>A (NM_001009944.2); short protein forms V3782I, V3783I.
Identifiers: ClinVar variation 1049133 (VCV001049133.7), dbSNP rs200120839, ClinGen allele CA7829180.

ClinVar aggregate classification (germline): Conflicting classifications of pathogenicity. Review status: criteria provided, conflicting classifications (1 of 4 stars). 5 submissions from 5 submitters: Uncertain significance (3); Likely benign (1). 1 of the submissions does not count toward it. Last evaluated 2026-01-28.

Conditions:
Polycystic kidney disease, adult type (PKD1). Also called: Polycystic Kidney Disease 1, Autosomal Dominant; Polycystic kidney disease 1; Polycystic kidney disease 1, severe; POLYCYSTIC KIDNEY DISEASE, ADULT, TYPE I; Polycystic Kidney, Autosomal Dominant; POLYCYSTIC KIDNEY DISEASE 1 WITH OR WITHOUT POLYCYSTIC LIVER DISEASE. Identifiers: MedGen C3149841, MONDO:0008263, OMIM 173900.
PKD1-related disorder. Also called: PKD1-related condition.

Allele frequency attached by ClinVar (database versions not stated): gnomAD exomes 0.00003; ExAC 0.00004; 1000 Genomes Project 30x 0.00016; 1000 Genomes Project 0.00020.
gnomAD v4.1: 13 of 1,612,906 alleles (0.00081%); highest among the groups gnomAD compares: East Asian, 0.011%; no homozygotes.

Submissions (5):

PreventionGenetics, part of Exact Sciences
Classification: Uncertain significance for PKD1-related condition. Last evaluated: 2026-01-28. Review status: criteria provided, single submitter. Criteria: ACMG Guidelines, 2015. Collection method: clinical testing. Allele origin: germline.
Comment: The PKD1 c.11347G>A variant is predicted to result in the amino acid substitution p.Val3783Ile. To our knowledge, this variant has not been reported in the literature. This variant is reported in 0.022% of alleles in individuals of East Asian descent in gnomAD. The p.Val3783 residue is weakly conserved. The REVEL (rare exome variant ensemble learner) program predicts this variant is benign at a "strong" level (Ioannidis et al. 2016. PubMed ID: 27666373; Bergquist et al. 2024. PubMed ID: 39345488). Although we suspect that this variant may be benign, at this time, the clinical significance of this variant is uncertain due to the absence of conclusive functional and genetic evidence.

Women's Health and Genetics/Laboratory Corporation of America, LabCorp
Classification: Uncertain significance. Last evaluated: 2025-04-23. Review status: criteria provided, single submitter. Criteria: LabCorp Variant Classification Summary - May 2015. Collection method: clinical testing. Allele origin: germline.
Comment: Variant summary: PKD1 c.11347G>A (p.Val3783Ile) results in a conservative amino acid change in the encoded protein sequence. Five of five in-silico tools predict a benign effect of the variant on protein function. The variant allele was found at a frequency of 2.8e-05 in 249614 control chromosomes. The available data on variant occurrences in the general population are insufficient to allow any conclusion about variant significance. To our knowledge, no occurrence of c.11347G>A in individuals affected with PKD1-Biallelic Autosomal Recessive Polycystic Kidney Disease and no experimental evidence demonstrating its impact on protein function have been reported. ClinVar contains an entry for this variant (Variation ID: 1049133). Based on the evidence outlined above, the variant was classified as uncertain significance.

Blueprint Genetics
Classification: Likely benign. Last evaluated: 2024-07-25. Review status: criteria provided, single submitter. Criteria: ACMG Guidelines, 2015. Collection method: clinical testing. Allele origin: germline.

Fulgent Genetics
Classification: Uncertain significance for Polycystic kidney disease, adult type. Last evaluated: 2024-01-15. Review status: criteria provided, single submitter. Criteria: ACMG Guidelines, 2015. Collection method: clinical testing. Allele origin: germline.

Department of Pathology and Laboratory Medicine, Sinai Health System
Classification: Uncertain significance. Review status: no assertion criteria provided. Collection method: clinical testing. Allele origin: unknown. Affected: yes. Study: The Canadian Open Genetics Repository (COGR). Not counted in ClinVar's aggregate classification.
Comment: The PKD1 p.Val3782Ile variant was not identified in the literature nor was it identified in ClinVar, LOVD 3.0, ADPKD Mutation Database or PKD1-LOVD. The variant was identified in dbSNP (ID: rs200120839) and in control databases in 7 of 249614 chromosomes at a frequency of 0.000028 (Genome Aggregation Database Feb 27, 2017). The variant was observed in the following populations: East Asian in 4 of 18352 chromosomes (freq: 0.000218), Other in 1 of 6092 chromosomes (freq: 0.000164) and European (non-Finnish) in 2 of 112286 chromosomes (freq: 0.000018); it was not observed in the African, Latino, Ashkenazi Jewish, European (Finnish), and South Asian populations. The p.Val3782 residue is not conserved in mammals and computational analyses (SIFT, AlignGVGD, BLOSUM, MutationTaster) do not suggest a high likelihood of impact to the protein; however, this information is not predictive enough to rule out pathogenicity. The variant occurs outside of the splicing consensus sequence and in silico or computational prediction software programs (SpliceSiteFinder, MaxEntScan, NNSPLICE, GeneSplicer) do not predict a difference in splicing. In summary, based on the above information the clinical significance of this variant cannot be determined with certainty at this time. This variant is classified as a variant of uncertain significance.